The following is an entry in ClinVar:

NM_004168.4(SDHA):c.1258C>G (p.Gln420Glu)

Gene: SDHA (succinate dehydrogenase complex flavoprotein subunit A; plus strand). Cytogenetic location: 5p15.33.
Variant type: single nucleotide variant.
Coding change: c.1258C>G on transcript NM_004168.4 (MANE Select); coding-DNA position 1258, C replaced by G.
Protein change: p.Gln420Glu; replaces glutamine 420 with glutamic acid.
Molecular consequence: missense variant.
Genome position (GRCh38, 1-based): chr5:235,337, C>G. VCF-style: chr5-235337-C-G. GRCh37 (hg19) VCF-style: chr5-235452-C-G.
Other names: c.1114C>G, p.Gln372Glu (NM_001294332.2); c.1258C>G, p.Gln420Glu (NM_001330758.2); short protein forms Q372E, Q420E.
Identifiers: ClinVar variation 4785672 (VCV004785672.1).
Genomic context (GRCh38, chr5:235,337, plus strand): 5'-ATCCCTGTCCTCCCCACCGTGCATTATAACATGGGCGGCATTCCCACCAACTACAAGGGG[C>G]AGGTGATGGTGCTGGCTCCTCCCCCACAGCTGGAAAGAAGGCTGGGACGACGGGGCCCAC-3'
Protein context (NP_004159.2, residues 410-430): MGGIPTNYKG[Gln420Glu]VLRHVNGQDQ

ClinVar aggregate classification (germline): Uncertain significance (1 of 4 stars; one submission).

Conditions:
Mitochondrial complex II deficiency, nuclear type 1. Also called: SUCCINATE CoQ REDUCTASE DEFICIENCY. Identifiers: Orphanet 3208, MedGen C5700310, MONDO:0100294, OMIM 252011.
Pheochromocytoma/paraganglioma syndrome 5. Also called: Paragangliomas 5; SDHA-Related Hereditary Paraganglioma-Pheochromocytoma Syndrome. Identifiers: Orphanet 29072, MedGen C3279992, MONDO:0013602, OMIM 614165.

Submission:

Labcorp Genetics (formerly Invitae), Labcorp
Classification: Uncertain significance for Pheochromocytoma/paraganglioma syndrome 5; Mitochondrial complex II deficiency, nuclear type 1. Last evaluated: 2025-07-24. Review status: criteria provided, single submitter. Criteria: Invitae Variant Classification Sherloc (09022015). Collection method: clinical testing. Allele origin: germline.
Comment: This sequence change replaces glutamine, which is neutral and polar, with glutamic acid, which is acidic and polar, at codon 420 of the SDHA protein (p.Gln420Glu). This variant is not present in population databases (gnomAD no frequency). This variant has not been reported in the literature in individuals affected with SDHA-related conditions. An algorithm developed to predict the effect of missense changes on protein structure and function (PolyPhen-2) suggests that this variant is likely to be tolerated. Algorithms developed to predict the effect of sequence changes on RNA splicing suggest that this variant may disrupt the consensus splice site. In summary, the available evidence is currently insufficient to determine the role of this variant in disease. Therefore, it has been classified as a Variant of Uncertain Significance.